The following is an entry in ClinVar:

NM_012233.3(RAB3GAP1):c.120del (p.Ile40fs)

Gene: RAB3GAP1 (RAB3 GTPase activating protein catalytic subunit 1; plus strand). Cytogenetic location: 2q21.3.
Variant type: Deletion.
Coding change: c.120del on transcript NM_012233.3 (MANE Select); coding-DNA position 120, one base deleted (T; older notation c.120delT).
Protein change: p.Ile40fs; shifts the reading frame from isoleucine 40.
Molecular consequence: frameshift variant.
Genome position (GRCh38, 1-based): chr2:135,058,056, T deleted; the last of 2 consecutive T bases (chr2:135,058,055-135,058,056); deleting either gives the same sequence. VCF-style (leftmost placement, unchanged base first): chr2-135058054-AT-A. GRCh37 (hg19) VCF-style: chr2-135815624-AT-A.
Other names: c.120del, p.Ile40fs (NM_001172435.2); c.119del (NM_001172435.2); short protein forms I40fs.
Identifiers: ClinVar variation 3378402 (VCV003378402.2).
Genomic context (GRCh38, chr2:135,058,054, plus strand): 5'-TTCTCCCTACTTCCTAGGTTTATTTCCAAAGTTGAAGAAGTCTTGAATGACTGGAAACTG[AT>A]TGGAAACTCTTTGGGAAAGCCACTCGAAAAGGTCAGATCTATTTGCTGGTGTCTCTAAAT-3'

ClinVar aggregate classification (germline): Pathogenic (1 of 4 stars; one submission).

Conditions:
Warburg micro syndrome 1 (WARBM1). Identifiers: Orphanet 2510, MedGen C1838625, MONDO:0010822, OMIM 600118.

Submission:

Molecular Genetics Laboratory, Motol Hospital
Classification: Pathogenic for Warburg micro syndrome 1. Last evaluated: 2024-11-20. Review status: criteria provided, single submitter. Criteria: ACMG Guidelines, 2015. Collection method: clinical testing. Allele origin: paternal. Affected: yes. Observed: 1 variant allele.
Comment: The pathogenic/likely pathogenic variants affecting the RAB3GAP1 gene are well documented as a molecular cause of autosomal recessive "Warburg Micro syndrome-1" (OMIM:600118) (PMID:30730599;23420520;15216542;15696165). To conclude, the variant is classified as pathogenic (ACMG PVS1, PM2, PM3).

Literature cited by the submitters: PubMed 30730599; PubMed 23420520; PubMed 15216542; PubMed 15696165.